The following is an entry in ClinVar:

NM_004995.4(MMP14):c.304G>A (p.Glu102Lys)

Gene: MMP14 (matrix metallopeptidase 14; plus strand). Cytogenetic location: 14q11.2.
Variant type: single nucleotide variant.
Coding change: c.304G>A on transcript NM_004995.4 (MANE Select); coding-DNA position 304, G replaced by A.
Protein change: p.Glu102Lys; replaces glutamic acid 102 with lysine.
Molecular consequence: missense variant.
Genome position (GRCh38, 1-based): chr14:22,841,959, G>A. VCF-style: chr14-22841959-G-A. GRCh37 (hg19) VCF-style: chr14-23311168-G-A.
Other names: short protein forms E102K.
Identifiers: ClinVar variation 3656120 (VCV003656120.2).

ClinVar aggregate classification (germline): Uncertain significance (1 of 4 stars; one submission).

gnomAD v4.1: 4 of 1,614,240 alleles (0.00025%); highest among the groups gnomAD compares: Admixed American, 0.0017%; no homozygotes.

Submission:

Labcorp Genetics (formerly Invitae), Labcorp
Classification: Uncertain significance. Last evaluated: 2024-08-11. Review status: criteria provided, single submitter. Criteria: Invitae Variant Classification Sherloc (09022015). Collection method: clinical testing. Allele origin: germline.
Comment: This sequence change replaces glutamic acid, which is acidic and polar, with lysine, which is basic and polar, at codon 102 of the MMP14 protein (p.Glu102Lys). This variant is present in population databases (no rsID available, gnomAD 0.003%). This variant has not been reported in the literature in individuals affected with MMP14-related conditions. An algorithm developed to predict the effect of missense changes on protein structure and function (PolyPhen-2) suggests that this variant is likely to be tolerated. In summary, the available evidence is currently insufficient to determine the role of this variant in disease. Therefore, it has been classified as a Variant of Uncertain Significance.